The following is an entry in ClinVar:

ClinVar aggregate classification (germline): Uncertain significance (1 of 4 stars; one submission).

Submission:

Labcorp Genetics (formerly Invitae), Labcorp
Classification: Uncertain significance. Last evaluated: 2025-09-07. Review status: criteria provided, single submitter. Criteria: Invitae Variant Classification Sherloc (09022015). Collection method: clinical testing. Allele origin: germline.
Comment: This variant results in the deletion of part of exon 5 (c.688_691+6del) of the DDX58 gene. It is expected to disrupt RNA splicing. Variants that disrupt the donor or acceptor splice site typically lead to a loss of protein function (PMID: 16199547), however the current clinical and genetic evidence is not sufficient to establish whether loss-of-function variants in DDX58 cause disease. This variant is not present in population databases (gnomAD no frequency). This variant has not been reported in the literature in individuals affected with DDX58-related conditions. In summary, the available evidence is currently insufficient to determine the role of this variant in disease. Therefore, it has been classified as a Variant of Uncertain Significance.

Literature cited by the submitters: PubMed 16199547.

NM_014314.4(RIGI):c.688_691+6del

Gene: RIGI (RNA sensor RIG-I; minus strand). Cytogenetic location: 9p21.1.
Variant type: Deletion.
Coding change: c.688_691+6del on transcript NM_014314.4 (MANE Select); coding-DNA position 688 through 6 bases into the intron after coding-DNA position 691, 10 bases deleted (TCAGGTACCT; older notation c.688_691+6delTCAGGTACCT).
Molecular consequence: splice donor variant.
Genome position (GRCh38, 1-based): chr9:32,491,295-32,491,304, AGGTACCTGA deleted on the plus strand (TCAGGTACCT on the coding strand, the reverse complement: RIGI is on the minus strand); deleting any 10 consecutive bases within chr9:32,491,295-32,491,308 gives the same sequence; the c. name uses the placement nearest the transcript's 3' end. VCF-style (leftmost placement, unchanged base first): chr9-32491294-CAGGTACCTGA-C. GRCh37 (hg19) VCF-style: chr9-32491292-CAGGTACCTGA-C.
Other names: c.79_82+6del (NM_001385912.1); c.673_676+6del (NM_001385913.1); c.688_691+6del (NM_001385907.1, NM_001385909.1); c.247_250+6del (NM_001385914.1, NM_001385910.1).
Identifiers: ClinVar variation 4725789 (VCV004725789.1).
Genomic context (GRCh38, chr9:32,491,294, plus strand): 5'-AAAACAAGCCCCCACACCAAATACCAGAAGAGCACCATTATGGAAAAGGACAAACAATAC[CAGGTACCTGA>C]AGGTGGACATGAATTCTCACTAAGATTCTGGCATTCTGGATCTTCTTGGTAGAAAATCTG-3'